The following is an entry in ClinVar:

ClinVar aggregate classification (germline): Conflicting classifications of pathogenicity. Review status: criteria provided, conflicting classifications (1 of 4 stars). 3 submissions from 3 submitters: Uncertain significance (2); Likely benign (1). Last evaluated 2025-09-05.

Conditions:
Hereditary cancer-predisposing syndrome. Also called: Neoplastic Syndromes, Hereditary; Tumor predisposition; Hereditary neoplastic syndrome; Hereditary Cancer Syndrome. Identifiers: Orphanet 140162, MedGen C0027672, MeSH D009386, MONDO:0015356.
Hereditary breast ovarian cancer syndrome. Also called: Hereditary breast and ovarian cancer syndrome (HBOC); BRCA1- and BRCA2-Associated Hereditary Breast and Ovarian Cancer; Breast and ovarian cancer; Hereditary breast and ovarian cancer; Hereditary breast and/or ovarian cancer syndrome; Hereditary breast and ovarian cancer syndrome. Identifiers: Orphanet 145, MedGen C0677776, MeSH D061325, MONDO:0003582. Disease mechanism: loss of function.
Breast-ovarian cancer, familial, susceptibility to, 2 (BROVCA2). Also called: BRCA2 Hereditary Breast and Ovarian Cancer. Identifiers: Orphanet 145, MedGen C2675520, MONDO:0012933, OMIM 612555. Disease mechanism: loss of function.

gnomAD v4.1: 5 of 1,603,426 alleles (0.00031%); highest among the groups gnomAD compares: Non-Finnish European, 0.00043%; no homozygotes.

Submissions (3):

Ambry Genetics
Classification: Uncertain significance for Hereditary cancer-predisposing syndrome. Last evaluated: 2025-09-05. Review status: criteria provided, single submitter. Criteria: Ambry Variant Classification Scheme 2023. Collection method: clinical testing. Allele origin: germline.
Comment: The c.426-15T>G intronic variant results from a T to G substitution 15 nucleotides upstream from coding exon 4 in the BRCA2 gene. This nucleotide position is highly conserved in available vertebrate species. In silico splice site analysis predicts that this alteration will not have any significant effect on splicing. RNA studies have demonstrated that this alteration results in a splice defect; the clinical impact of this abnormal splicing is unknown at this time (Ambry internal data). Based on the available evidence, the clinical significance of this variant remains unclear.

All of Us Research Program, National Institutes of Health
Classification: Uncertain significance for Breast-ovarian cancer, familial, susceptibility to, 2. Last evaluated: 2023-08-15. Review status: criteria provided, single submitter. Criteria: ACMG Guidelines, 2015. Collection method: clinical testing. Allele origin: germline. Inheritance: Autosomal dominant inheritance. Observed: 1 variant allele, 1 heterozygote.
Comment: This variant causes a T to G nucleotide substitution at the -15 position of intron 4 of the BRCA2 gene. To our knowledge, functional studies have not been reported for this variant. This variant has not been reported in individuals affected with BRCA2-related disorders in the literature. This variant has not been identified in the general population by the Genome Aggregation Database (gnomAD). The available evidence is insufficient to determine the role of this variant in disease conclusively. Therefore, this variant is classified as a Variant of Uncertain Significance.

This study involves interpretation of variants in research participants for the purpose of population health screening. Participant phenotype was not available at the time of variant classification. Additional details can be found in publication PMID: 35346344, PMCID: PMC8962531

Labcorp Genetics (formerly Invitae), Labcorp
Classification: Likely benign for Hereditary breast ovarian cancer syndrome. Last evaluated: 2022-12-12. Review status: criteria provided, single submitter. Criteria: Invitae Variant Classification Sherloc (09022015). Collection method: clinical testing. Allele origin: germline.

NM_000059.4(BRCA2):c.426-15T>G

Gene: BRCA2 (BRCA2 DNA repair associated; plus strand). Cytogenetic location: 13q13.1.
Variant type: single nucleotide variant.
Coding change: c.426-15T>G on transcript NM_000059.4 (MANE Select); 15 bases into the intron before coding-DNA position 426, T replaced by G.
Molecular consequence: intron variant.
Genome position (GRCh38, 1-based): chr13:32,326,086, T>G. VCF-style: chr13-32326086-T-G. GRCh37 (hg19) VCF-style: chr13-32900223-T-G.
Other names: c.426-15T>G (NM_001406720.1, NM_001406719.1, NM_001406721.1 and 1 more transcripts); c.57-15T>G (NM_001406722.1).
Identifiers: ClinVar variation 2896168 (VCV002896168.5), dbSNP rs2137449224, ClinGen allele CA2622600591.